The following is an entry in ClinVar:

ClinVar aggregate classification (germline): Pathogenic. Review status: criteria provided, multiple submitters, no conflicts (2 of 4 stars). 8 submissions from 8 submitters: Pathogenic (6). 2 of the submissions do not count toward it. Last evaluated 2026-05-07.

Conditions:
Polycystic kidney disease 2 (PKD2). Also called: POLYCYSTIC KIDNEY DISEASE 2 WITH OR WITHOUT POLYCYSTIC LIVER DISEASE; Polycystic Kidney Disease 2, Autosomal Dominant; POLYCYSTIC KIDNEY DISEASE, ADULT, TYPE II. Identifiers: MedGen C2751306, MONDO:0013131, OMIM 613095.
PKD2-related disorder. Also called: PKD2-related condition.
Polycystic kidney disease. Also called: Kidney, Polycystic; Polycystic kidney dysplasia. Identifiers: MedGen C0022680, MeSH D007690, MONDO:0020642, HP:0000113.
Autosomal dominant polycystic kidney disease. Identifiers: Orphanet 730, MedGen C0085413, MONDO:0004691.

Allele frequency attached by ClinVar (database versions not stated): gnomAD exomes below 0.00001; ExAC 0.00001; TOPMed 0.00001.
gnomAD v4.1: 3 of 1,613,902 alleles (0.00019%); highest among the groups gnomAD compares: African/African-American, 0.0027%; no homozygotes.

Submissions (8):

Victorian Clinical Genetics Services, Murdoch Childrens Research Institute
Classification: Pathogenic for Polycystic kidney disease 2. Last evaluated: 2026-05-07. Review status: criteria provided, single submitter. Criteria: ACMG Guidelines, 2015. Collection method: clinical testing. Allele origin: germline. Affected: yes.
Comment: This variant is classified as Pathogenic. Evidence in support of pathogenic classification: Variant is predicted to cause nonsense-mediated decay (NMD) and loss of protein (premature termination codon is located at least 54 nucleotides upstream of the final exon-exon junction); Variant is present in gnomAD (v4) <0.001 for a dominant condition (3 heterozygotes, 0 homozygotes); This variant has strong previous evidence of pathogenicity in unrelated individuals. This variant has been reported several times as pathogenic, and observed in multiple families with polycystic kidney disease (ClinVar); Other NMD-predicted variants comparable to the one identified in this case have very strong previous evidence for pathogenicity (DECIPHER). Additional information: This variant is heterozygous; This gene is associated with autosomal dominant disease; Loss of function is a known mechanism of disease in this gene and is associated with polycystic kidney disease 2 (MIM#613095); Inheritance information for this variant is not currently available in this individual.

PreventionGenetics, part of Exact Sciences
Classification: Pathogenic for PKD2-related condition. Last evaluated: 2025-09-17. Review status: criteria provided, single submitter. Criteria: ACMG Guidelines, 2015. Collection method: clinical testing. Allele origin: germline.
Comment: The PKD2 c.958C>T variant is predicted to result in premature protein termination (p.Arg320*). This variant has been reported in individuals with autosomal dominant polycystic kidney disease (ADPKD) (see, for examples, Reynolds et al. 1999. PubMed ID: 10541293; Moriyama et al. 2020. PubMed ID: 33141305). This variant is reported in 0.0033% of alleles in individuals of South Asian descent in gnomAD. Nonsense variants in PKD2 are expected to be pathogenic. This variant is interpreted as pathogenic.

Labcorp Genetics (formerly Invitae), Labcorp
Classification: Pathogenic for Autosomal dominant polycystic kidney disease. Last evaluated: 2025-01-29. Review status: criteria provided, single submitter. Criteria: Invitae Variant Classification Sherloc (09022015). Collection method: clinical testing. Allele origin: germline.
Comment: This sequence change creates a premature translational stop signal (p.Arg320*) in the PKD2 gene. It is expected to result in an absent or disrupted protein product. Loss-of-function variants in PKD2 are known to be pathogenic (PMID: 17582161, 22863349). This variant is present in population databases (rs749004212, gnomAD 0.003%). This premature translational stop signal has been observed in individual(s) with polycystic kidney disease (PMID: 10541293, 10760080, 12707387, 22508176, 23300259, 24374109, 27782177). It has also been observed to segregate with disease in related individuals. ClinVar contains an entry for this variant (Variation ID: 562318). For these reasons, this variant has been classified as Pathogenic.

Blueprint Genetics
Classification: Pathogenic for PKD2-related disorders. Last evaluated: 2024-04-08. Review status: criteria provided, single submitter. Criteria: ACMG Guidelines, 2015. Collection method: clinical testing. Allele origin: germline. Affected: yes. Observed: 3 variant alleles.

GeneDx
Classification: Pathogenic. Last evaluated: 2021-10-29. Review status: criteria provided, single submitter. Criteria: GeneDx Variant Classification Process June 2021. Collection method: clinical testing. Allele origin: germline. Affected: yes.
Comment: Nonsense variant predicted to result in protein truncation or nonsense mediated decay in a gene for which loss-of-function is a known mechanism of disease; Not observed at a significant frequency in large population cohorts (Lek et al., 2016); This variant is associated with the following publications: (PMID: 31740684, 12707387, 27782177, 22508176, 25525159, 10541293, 10760080, 23300259, 24374109, 22383692, 17582161, 33141305, 34101167)

Fulgent Genetics
Classification: Pathogenic for Polycystic kidney disease 2. Last evaluated: 2021-06-30. Review status: criteria provided, single submitter. Criteria: ACMG Guidelines, 2015. Collection method: clinical testing. Allele origin: unknown.
Comment: This variant has been detected in individual(s) who were sent for testing of Renasight - kidney gene panel.

Gharavi Laboratory, Columbia University
Classification: Pathogenic. Last evaluated: 2018-09-16. Review status: no assertion criteria provided. Criteria: ACMG Guidelines, 2015. Collection method: research. Allele origin: germline. Affected: yes. Not counted in ClinVar's aggregate classification.

Department of Pathology and Laboratory Medicine, Sinai Health System
Classification: Pathogenic for Polycystic Kidney disease. Review status: no assertion criteria provided. Collection method: clinical testing. Allele origin: unknown. Affected: yes. Observed: 1 variant allele. Study: The Canadian Open Genetics Repository (COGR). Not counted in ClinVar's aggregate classification.
Comment: The PKD2 p.Arg320X variant was identified in 13 of 2820 proband chromosomes (frequency: 0.0046) from individuals or families with autosomal dominant PKD (Audrezet 2012, Hateboer 2000, Hwang 2016, Reynolds 1999, Rossetti 2007, Rossetti 2012, Tan 2008). The variant was also identified in dbSBP (ID: rs749004212) as â€šÃ„ÃºNAâ€šÃ„Ã¹,LOVD 3.0, and ADPKD Mutation Database (as definitely pathogenic). The variant was not identified in ClinVar, Clinvitae, and PKD1-LOVD databases. The variant was identified in control databases in 1 of 245884 chromosomes at a frequency of 0.000004 in the South Asian population in 1 of 30782 chromosmes (freq. 0.00003) of increasing the likelihood that this may be a low frequency variant in certain populations of origin (Genome Aggregation Consortium Feb 27, 2017). The p.Arg320X variant leads to a premature stop codon at position 320, which is predicted to lead to a truncated or absent protein and loss of function. Loss of function variants of the PKD2 gene are an established mechanism of disease in ADPKD and is the type of variant expected to cause the disorder. In summary, based on the above information this variant meets our laboratoryâ€šÃ„Ã´s criteria to be classified as pathogenic.

Literature cited by the submitters: PubMed 17582161 (cited by Labcorp Genetics (formerly Invitae), Labcorp); PubMed 22863349 (cited by Labcorp Genetics (formerly Invitae), Labcorp); PubMed 10541293 (cited by Labcorp Genetics (formerly Invitae), Labcorp); PubMed 10760080 (cited by Labcorp Genetics (formerly Invitae), Labcorp); PubMed 12707387 (cited by Labcorp Genetics (formerly Invitae), Labcorp); PubMed 22508176 (cited by Labcorp Genetics (formerly Invitae), Labcorp); PubMed 23300259 (cited by Labcorp Genetics (formerly Invitae), Labcorp); PubMed 24374109 (cited by Labcorp Genetics (formerly Invitae), Labcorp); PubMed 27782177 (cited by Labcorp Genetics (formerly Invitae), Labcorp).

NM_000297.4(PKD2):c.958C>T (p.Arg320Ter)

Gene: PKD2 (polycystin 2, transient receptor potential cation channel; plus strand). Cytogenetic location: 4q22.1.
Variant type: single nucleotide variant.
Coding change: c.958C>T on transcript NM_000297.4 (MANE Select); coding-DNA position 958, C replaced by T.
Protein change: p.Arg320Ter; replaces arginine 320 with a stop codon.
Molecular consequence: nonsense. On other transcripts: non-coding transcript variant (1).
Genome position (GRCh38, 1-based): chr4:88,038,365, C>T. VCF-style: chr4-88038365-C-T. GRCh37 (hg19) VCF-style: chr4-88959517-C-T.
Other names: short protein forms R320*.
Identifiers: ClinVar variation 562318 (VCV000562318.23), dbSNP rs749004212, ClinGen allele CA3003848.